The following is an entry in ClinVar:

NM_001077350.3(NPRL3):c.1420G>A (p.Gly474Arg)

Genes: HBA-LCR (alpha-globin locus control region; plus strand), NPRL3 (NPR3 like, GATOR1 complex subunit; minus strand). Cytogenetic location: 16p13.3.
Variant type: single nucleotide variant.
Coding change: c.1420G>A on transcript NM_001077350.3 (MANE Select); coding-DNA position 1420, G replaced by A.
Protein change: p.Gly474Arg; replaces glycine 474 with arginine.
Molecular consequence: missense variant.
Genome position (GRCh38, 1-based): chr16:88,822, C>T on the plus strand (G>A on the coding strand, the complement: NPRL3 is on the minus strand). VCF-style: chr16-88822-C-T. GRCh37 (hg19) VCF-style: chr16-138820-C-T.
Other names: c.883G>A, p.Gly295Arg (NM_001039476.3); c.1186G>A, p.Gly396Arg (NM_001243247.2); c.1345G>A, p.Gly449Arg (NM_001243248.2, NM_001243249.2); short protein forms G474R, G449R, G295R, G396R.
Identifiers: ClinVar variation 1041645 (VCV001041645.9), dbSNP rs374687256, ClinGen allele CA7769332.
Genomic context (GRCh38, chr16:88,822, plus strand): 5'-CATGCTCCGACAGGCTGGCCAGCAGGTTCTCCGTCATCCTCTGGTTCAGTGGCGAGTCCC[C>T]GCTGGGAAGTAGCTCTGCGCTGGAGTTGTCCATGCTGGGGCTGGTGAGGGTCATGTCATC-3'
Protein context (NP_001070818.1, residues 464-484): DNSSAELLPS[Gly474Arg]DSPLNQRMTE

ClinVar aggregate classification (germline): Conflicting classifications of pathogenicity. Review status: criteria provided, conflicting classifications (1 of 4 stars). 2 submissions from 2 submitters: Uncertain significance (1); Likely benign (1). Last evaluated 2024-09-24.

Conditions:
Epilepsy, familial focal, with variable foci 3 (FFEVF3). Identifiers: MedGen C4310708, MONDO:0014925, OMIM 617118.

Allele frequency attached by ClinVar (database versions not stated): gnomAD 0.00005 and 0.00006; gnomAD exomes 0.00006 and 0.00007; TOPMed 0.00006; ExAC 0.00009; ESP Exome Variant Server 0.00015.
gnomAD v4.1: 116 of 1,613,684 alleles (0.0072%); highest among the groups gnomAD compares: Non-Finnish European, 0.0087%; 1 homozygote.

Submissions (2):

Blueprint Genetics
Classification: Likely benign. Last evaluated: 2024-09-24. Review status: criteria provided, single submitter. Criteria: ACMG Guidelines, 2015. Collection method: clinical testing. Allele origin: germline.

Labcorp Genetics (formerly Invitae), Labcorp
Classification: Uncertain significance for Epilepsy, familial focal, with variable foci 3. Last evaluated: 2024-03-28. Review status: criteria provided, single submitter. Criteria: Invitae Variant Classification Sherloc (09022015). Collection method: clinical testing. Allele origin: germline.
Comment: This sequence change replaces glycine, which is neutral and non-polar, with arginine, which is basic and polar, at codon 474 of the NPRL3 protein (p.Gly474Arg). This variant is present in population databases (rs374687256, gnomAD 0.01%). This variant has not been reported in the literature in individuals affected with NPRL3-related conditions. ClinVar contains an entry for this variant (Variation ID: 1041645). Advanced modeling of protein sequence and biophysical properties (such as structural, functional, and spatial information, amino acid conservation, physicochemical variation, residue mobility, and thermodynamic stability) performed at Invitae indicates that this missense variant is not expected to disrupt NPRL3 protein function with a negative predictive value of 80%. In summary, the available evidence is currently insufficient to determine the role of this variant in disease. Therefore, it has been classified as a Variant of Uncertain Significance.